The following is an entry in ClinVar:

ClinVar aggregate classification (germline): Likely pathogenic (1 of 4 stars; one submission).

Conditions:
Agammaglobulinemia 4, autosomal recessive (AGM4). Also called: B cell linker protein deficiency; AGAMMAGLOBULINEMIA, AUTOSOMAL RECESSIVE, DUE TO BLNK DEFECT. Identifiers: MedGen C3150752, MONDO:0013289, OMIM 613502.

Submission:

Labcorp Genetics (formerly Invitae), Labcorp
Classification: Likely pathogenic for Agammaglobulinemia 4, autosomal recessive. Last evaluated: 2021-07-14. Review status: criteria provided, single submitter. Criteria: Invitae Variant Classification Sherloc (09022015). Collection method: clinical testing. Allele origin: germline.
Comment: This variant has not been reported in the literature in individuals affected with BLNK-related conditions. Algorithms developed to predict the effect of sequence changes on RNA splicing suggest that this variant may disrupt the consensus splice site. In summary, the currently available evidence indicates that the variant is pathogenic, but additional data are needed to prove that conclusively. Therefore, this variant has been classified as Likely Pathogenic. This variant is not present in population databases (ExAC no frequency). This sequence change affects a donor splice site in intron 2 of the BLNK gene. It is expected to disrupt RNA splicing. Variants that disrupt the donor or acceptor splice site typically lead to a loss of protein function (PMID: 16199547), and loss-of-function variants in BLNK are known to be pathogenic (PMID: 10583958, 24582315).

Literature cited by the submitters: PubMed 16199547; PubMed 10583958; PubMed 24582315.

NM_013314.4(BLNK):c.113+2T>G

Gene: BLNK (B cell linker; minus strand). Cytogenetic location: 10q24.1.
Variant type: single nucleotide variant.
Coding change: c.113+2T>G on transcript NM_013314.4 (MANE Select); the canonical splice donor site of the intron after coding-DNA position 113, T replaced by G.
Molecular consequence: splice donor variant.
Genome position (GRCh38, 1-based): chr10:96,246,982, A>C on the plus strand (T>G on the coding strand, the complement: BLNK is on the minus strand). VCF-style: chr10-96246982-A-C. GRCh37 (hg19) VCF-style: chr10-98006738-A-C.
Other names: c.113+2T>G (NM_001258442.2, NM_001258441.2, NM_001114094.2 and 1 more transcripts).
Identifiers: ClinVar variation 1348172 (VCV001348172.6), dbSNP rs2134092983, ClinGen allele CA377731101.